The following is an entry in ClinVar:

ClinVar aggregate classification (germline): Uncertain significance (1 of 4 stars; one submission).

Conditions:
Inborn genetic diseases. Identifiers: MedGen C0950123, MeSH D030342.

Submission:

Ambry Genetics
Classification: Uncertain significance for Inborn genetic diseases. Last evaluated: 2021-08-17. Review status: criteria provided, single submitter. Criteria: Ambry Variant Classification Scheme 2023. Collection method: clinical testing. Allele origin: germline.
Comment: The p.R443G variant (also known as c.1327A>G), located in coding exon 5 of the ATR gene, results from an A to G substitution at nucleotide position 1327. The arginine at codon 443 is replaced by glycine, an amino acid with dissimilar properties. This amino acid position is conserved. In addition, this alteration is predicted to be tolerated by in silico analysis. Since supporting evidence is limited at this time, the clinical significance of this alteration remains unclear.

NM_001184.4(ATR):c.1327A>G (p.Arg443Gly)

Gene: ATR (ATR checkpoint kinase; minus strand). Cytogenetic location: 3q23.
Variant type: single nucleotide variant.
Coding change: c.1327A>G on transcript NM_001184.4 (MANE Select); coding-DNA position 1327, A replaced by G.
Protein change: p.Arg443Gly; replaces arginine 443 with glycine.
Molecular consequence: missense variant.
Genome position (GRCh38, 1-based): chr3:142,561,265, T>C on the plus strand (A>G on the coding strand, the complement: ATR is on the minus strand). VCF-style: chr3-142561265-T-C. GRCh37 (hg19) VCF-style: chr3-142280107-T-C.
Other names: c.1327A>G, p.Arg443Gly (NM_001354579.2); short protein forms R443G.
Identifiers: ClinVar variation 1770031 (VCV001770031.2), dbSNP rs2108485039, ClinGen allele CA354823161.